The following is an entry in ClinVar:

ClinVar aggregate classification (germline): Likely benign (1 of 4 stars; one submission).

Allele frequency attached by ClinVar (database versions not stated): gnomAD 0.00200; TOPMed 0.00219; gnomAD exomes 0.00265; ExAC 0.00267; 1000 Genomes Project 30x 0.00281; ESP Exome Variant Server 0.00323; 1000 Genomes Project 0.00379.
gnomAD v4.1: 4,194 of 1,614,072 alleles (0.26%); highest among the groups gnomAD compares: Middle Eastern, 0.61%; 18 homozygotes.

Submission:

CeGaT Center for Human Genetics Tuebingen
Classification: Likely benign. Last evaluated: 2022-12-01. Review status: criteria provided, single submitter. Criteria: CeGaT Center For Human Genetics Tuebingen Variant Classification Criteria Version 2. Collection method: clinical testing. Allele origin: germline. Affected: yes. Observed: 1 variant allele.
Comment: SRBD1: BS2

NM_018079.5(SRBD1):c.2464C>G (p.Pro822Ala)

Gene: SRBD1 (S1 RNA binding domain 1; minus strand). Cytogenetic location: 2p21.
Variant type: single nucleotide variant.
Coding change: c.2464C>G on transcript NM_018079.5 (MANE Select); coding-DNA position 2464, C replaced by G.
Protein change: p.Pro822Ala; replaces proline 822 with alanine.
Molecular consequence: missense variant.
Genome position (GRCh38, 1-based): chr2:45,413,163, G>C on the plus strand (C>G on the coding strand, the complement: SRBD1 is on the minus strand). VCF-style: chr2-45413163-G-C. GRCh37 (hg19) VCF-style: chr2-45640302-G-C.
Other names: short protein forms P822A.
Identifiers: ClinVar variation 2650868 (VCV002650868.24), dbSNP rs34959371, ClinGen allele CA1642795.
Genomic context (GRCh38, chr2:45,413,163, plus strand): 5'-CTCAGACTTACCTCATTGCTATGTCATATGATTCTGGATGAATACAAGTTTGGTCCAAAG[G>C]ATTTGGCTTCAGTAAAACATTCACTGCAGTTTTGCTCTTCTTTTTGCCCTGCTTCTCATT-3'
Protein context (NP_060549.4, residues 812-832): TAVNVLLKPN[Pro822Ala]LDQTCIHPES